The following is an entry in ClinVar:

ClinVar aggregate classification (germline): Uncertain significance (1 of 4 stars; one submission).

Allele frequency attached by ClinVar (database versions not stated): ExAC 0.00002; gnomAD 0.00003; ESP Exome Variant Server 0.00008.
gnomAD v4.1: 30 of 1,614,088 alleles (0.0019%); highest among the groups gnomAD compares: East Asian, 0.0045%; no homozygotes.

Submission:

Labcorp Genetics (formerly Invitae), Labcorp
Classification: Uncertain significance. Last evaluated: 2022-02-25. Review status: criteria provided, single submitter. Criteria: Invitae Variant Classification Sherloc (09022015). Collection method: clinical testing. Allele origin: germline.
Comment: This sequence change replaces glycine, which is neutral and non-polar, with serine, which is neutral and polar, at codon 180 of the FLAD1 protein (p.Gly180Ser). This variant is present in population databases (rs376637647, gnomAD 0.003%). This variant has not been reported in the literature in individuals affected with FLAD1-related conditions. Algorithms developed to predict the effect of missense changes on protein structure and function are either unavailable or do not agree on the potential impact of this missense change (SIFT: "Deleterious"; PolyPhen-2: "Probably Damaging"; Align-GVGD: "Class C0"). In summary, the available evidence is currently insufficient to determine the role of this variant in disease. Therefore, it has been classified as a Variant of Uncertain Significance.

NM_025207.5(FLAD1):c.538G>A (p.Gly180Ser)

Gene: FLAD1 (flavin adenine dinucleotide synthetase 1; plus strand). Cytogenetic location: 1q21.3.
Variant type: single nucleotide variant.
Coding change: c.538G>A on transcript NM_025207.5 (MANE Select); coding-DNA position 538, G replaced by A.
Protein change: p.Gly180Ser; replaces glycine 180 with serine.
Molecular consequence: missense variant.
Genome position (GRCh38, 1-based): chr1:154,988,270, G>A. VCF-style: chr1-154988270-G-A. GRCh37 (hg19) VCF-style: chr1-154960746-G-A.
Other names: c.247G>A, p.Gly83Ser (NM_001184891.2, NM_201398.3); c.241G>A, p.Gly81Ser (NM_001184892.2); short protein forms G81S, G83S, G180S.
Identifiers: ClinVar variation 1931855 (VCV001931855.2), dbSNP rs376637647, ClinGen allele CA1134354.
Genomic context (GRCh38, chr1:154,988,270, plus strand): 5'-GCAGCTGAGGTCACTTCTTTCTCCAACCGCTTCACCCATGTCCTCACAGCAGGGGGCATC[G>A]GCCCCACTCATGATGATGTGACCTTTGAGGCAGTGGCACAGGCCTTTGGAGATGAGCTGA-3'
Protein context (NP_079483.3, residues 170-190): FTHVLTAGGI[Gly180Ser]PTHDDVTFEA